The following is an entry in ClinVar:

NM_001271.4(CHD2):c.4592+13G>A

Gene: CHD2 (chromodomain helicase DNA binding protein 2; plus strand). Cytogenetic location: 15q26.1.
Variant type: single nucleotide variant.
Coding change: c.4592+13G>A on transcript NM_001271.4 (MANE Select); 13 bases into the intron after coding-DNA position 4592, G replaced by A.
Molecular consequence: intron variant.
Genome position (GRCh38, 1-based): chr15:93,009,336, G>A. VCF-style: chr15-93009336-G-A. GRCh37 (hg19) VCF-style: chr15-93552566-G-A.
Identifiers: ClinVar variation 385495 (VCV000385495.1), dbSNP rs1057522239, ClinGen allele CA16607960.

ClinVar aggregate classification (germline): Likely benign (1 of 4 stars; one submission).

Submission:

GeneDx
Classification: Likely benign. Last evaluated: 2016-04-18. Review status: criteria provided, single submitter. Criteria: GeneDx Variant Classification (06012015). Collection method: clinical testing. Allele origin: germline. Affected: yes.
Comment: This variant is considered likely benign or benign based on one or more of the following criteria: it is a conservative change, it occurs at a poorly conserved position in the protein, it is predicted to be benign by multiple in silico algorithms, and/or has population frequency not consistent with disease.